The following is an entry in ClinVar:

ClinVar aggregate classification (germline): Likely pathogenic (1 of 4 stars; one submission).

Conditions:
Cholestasis, progressive familial intrahepatic, 4. Identifiers: Orphanet 480483, Orphanet 79304, MedGen C2931067, MONDO:0014381, OMIM 615878.

Submission:

Neuberg Centre For Genomic Medicine, NCGM
Classification: Likely pathogenic for Cholestasis, progressive familial intrahepatic, 4. Review status: criteria provided, single submitter. Criteria: ACMG Guidelines, 2015. Collection method: clinical testing. Allele origin: germline. Inheritance: Autosomal recessive inheritance. Affected: yes.
Comment: The stop gained p.K730* in TJP2 (NM_004817.4) has not been reported previously as a pathogenic variant nor as a benign variant, to our knowledge.The p.K730* variant is novel (not in any individuals) in gnomAD Exomes and is novel (not in any individuals) in 1000 Genomes. This variant is predicted to cause loss of normal protein function through protein truncation.For these reasons, this variant has been classified as Likely Pathogenic. In the absence of another reportable variant, the molecular diagnosis of TJP2 related cholestasis which is inherited in an autosomal recessive state is not confirmed.

NM_004817.4(TJP2):c.2188A>T (p.Lys730Ter)

Gene: TJP2 (tight junction protein 2; plus strand). Cytogenetic location: 9q21.11.
Variant type: single nucleotide variant.
Coding change: c.2188A>T on transcript NM_004817.4 (MANE Select); coding-DNA position 2188, A replaced by T.
Protein change: p.Lys730Ter; replaces lysine 730 with a stop codon.
Molecular consequence: nonsense.
Genome position (GRCh38, 1-based): chr9:69,237,886, A>T. VCF-style: chr9-69237886-A-T. GRCh37 (hg19) VCF-style: chr9-71852802-A-T.
Other names: c.2119A>T, p.Lys707Ter (NM_001170414.2, NM_001369871.1); c.2200A>T, p.Lys734Ter (NM_001170415.1, NM_001369874.1, NM_001369875.1); c.2281A>T, p.Lys761Ter (NM_001170416.2); c.2113A>T, p.Lys705Ter (NM_001369870.1); c.2188A>T, p.Lys730Ter (NM_001369872.1, NM_001369873.1, NM_201629.3); short protein forms K705*, K707*, K730*, K734*, K761*.
Identifiers: ClinVar variation 2627415 (VCV002627415.1), dbSNP rs2538590798, ClinGen allele CA373533165.